The following is an entry in ClinVar:

NM_001378457.1(DMXL2):c.6060A>T (p.Leu2020Phe)

Gene: DMXL2 (Dmx like 2; minus strand). Cytogenetic location: 15q21.2.
Variant type: single nucleotide variant.
Coding change: c.6060A>T on transcript NM_001378457.1 (MANE Select); coding-DNA position 6060, A replaced by T.
Protein change: p.Leu2020Phe; replaces leucine 2020 with phenylalanine.
Molecular consequence: missense variant. On other transcripts: non-coding transcript variant (2).
Genome position (GRCh38, 1-based): chr15:51,481,046, T>A on the plus strand (A>T on the coding strand, the complement: DMXL2 is on the minus strand). VCF-style: chr15-51481046-T-A. GRCh37 (hg19) VCF-style: chr15-51773243-T-A.
Other names: c.6060A>T, p.Leu2020Phe (NM_001174116.3, NM_001378458.1, NM_001378459.1 and 4 more transcripts); c.4152A>T, p.Leu1384Phe (NM_001174117.3); c.4041A>T, p.Leu1347Phe (NM_001378460.1); c.5820A>T, p.Leu1940Phe (NM_001378464.1); c.6060A>T (NM_001174116.1); short protein forms L1940F, L1384F, L2020F, L1347F.
Identifiers: ClinVar variation 2181891 (VCV002181891.4), dbSNP rs142798764, ClinGen allele CA7561694.

ClinVar aggregate classification (germline): Uncertain significance. Review status: criteria provided, multiple submitters, no conflicts (2 of 4 stars). 2 submissions from 2 submitters: Uncertain significance (2). Last evaluated 2025-01-29.

Conditions:
Inborn genetic diseases. Identifiers: MedGen C0950123, MeSH D030342.

Allele frequency attached by ClinVar (database versions not stated): gnomAD exomes below 0.00001; ExAC 0.00003; gnomAD 0.00003; TOPMed 0.00003; ESP Exome Variant Server 0.00015.
gnomAD v4.1: 9 of 1,614,082 alleles (0.00056%); highest among the groups gnomAD compares: African/African-American, 0.012%; no homozygotes.

Submissions (2):

Ambry Genetics
Classification: Uncertain significance for Inborn genetic diseases. Last evaluated: 2025-01-29. Review status: criteria provided, single submitter. Criteria: Ambry Variant Classification Scheme 2023. Collection method: clinical testing. Allele origin: germline.

Labcorp Genetics (formerly Invitae), Labcorp
Classification: Uncertain significance. Last evaluated: 2025-01-06. Review status: criteria provided, single submitter. Criteria: Invitae Variant Classification Sherloc (09022015). Collection method: clinical testing. Allele origin: germline.
Comment: This sequence change replaces leucine, which is neutral and non-polar, with phenylalanine, which is neutral and non-polar, at codon 2020 of the DMXL2 protein (p.Leu2020Phe). The frequency data for this variant in the population databases is considered unreliable, as metrics indicate poor data quality at this position in the gnomAD database. This variant has not been reported in the literature in individuals affected with DMXL2-related conditions. ClinVar contains an entry for this variant (Variation ID: 2181891). An algorithm developed to predict the effect of missense changes on protein structure and function (PolyPhen-2) suggests that this variant is likely to be tolerated. In summary, the available evidence is currently insufficient to determine the role of this variant in disease. Therefore, it has been classified as a Variant of Uncertain Significance.